The following is an entry in ClinVar:

ClinVar aggregate classification (germline): Uncertain significance. Review status: criteria provided, multiple submitters, no conflicts (2 of 4 stars). 2 submissions from 2 submitters: Uncertain significance (2). Last evaluated 2026-03-16.

Allele frequency attached by ClinVar (database versions not stated): gnomAD 0.00001; TOPMed 0.00003; ExAC 0.00004.

Submissions (2):

GeneDx
Classification: Uncertain significance. Last evaluated: 2026-03-16. Review status: criteria provided, single submitter. Criteria: GeneDx Variant Classification Process June 2021. Collection method: clinical testing. Allele origin: germline.
Comment: In silico analysis supports that this missense variant has a deleterious effect on protein structure/function; Has not been previously published as pathogenic or benign to our knowledge

Ambry Genetics
Classification: Uncertain significance. Last evaluated: 2023-02-28. Review status: criteria provided, single submitter. Criteria: Ambry Variant Classification Scheme 2023. Collection method: clinical testing. Allele origin: germline.

NM_138383.3(MTSS2):c.2169G>A (p.Met723Ile)

Gene: MTSS2 (MTSS I-BAR domain containing 2; minus strand). Cytogenetic location: 16q22.1.
Variant type: single nucleotide variant.
Coding change: c.2169G>A on transcript NM_138383.3 (MANE Select); coding-DNA position 2169, G replaced by A.
Protein change: p.Met723Ile; replaces methionine 723 with isoleucine.
Molecular consequence: missense variant.
Genome position (GRCh38, 1-based): chr16:70,663,752, C>T on the plus strand (G>A on the coding strand, the complement: MTSS2 is on the minus strand). VCF-style: chr16-70663752-C-T. GRCh37 (hg19) VCF-style: chr16-70697655-C-T.
Other names: short protein forms M723I.
Identifiers: ClinVar variation 2455119 (VCV002455119.3), dbSNP rs752921841, ClinGen allele CA8146331.